The following is an entry in ClinVar:

ClinVar aggregate classification (germline): Uncertain significance. Review status: criteria provided, multiple submitters, no conflicts (2 of 4 stars). 2 submissions from 2 submitters: Uncertain significance (2). Last evaluated 2025-02-27.

Conditions:
Hereditary cancer-predisposing syndrome. Also called: Tumor predisposition; Neoplastic Syndromes, Hereditary; Hereditary Cancer Syndrome; Hereditary neoplastic syndrome. Identifiers: Orphanet 140162, MedGen C0027672, MeSH D009386, MONDO:0015356.
Peutz-Jeghers syndrome (PJS). Also called: Peutz-Jeghers polyposis; Periorificial lentiginosis syndrome; POLYPOSIS, HAMARTOMATOUS INTESTINAL; POLYPS-AND-SPOTS SYNDROME. Identifiers: Orphanet 2869, MedGen C0031269, MeSH D010580, MONDO:0008280, OMIM 175200.

Submissions (2):

Ambry Genetics
Classification: Uncertain significance for Hereditary cancer-predisposing syndrome. Last evaluated: 2025-02-27. Review status: criteria provided, single submitter. Criteria: Ambry Variant Classification Scheme 2023. Collection method: clinical testing. Allele origin: germline.
Comment: The p.E375G variant (also known as c.1124A>G), located in coding exon 9 of the STK11 gene, results from an A to G substitution at nucleotide position 1124. The glutamic acid at codon 375 is replaced by glycine, an amino acid with similar properties. This amino acid position is conserved. In addition, this alteration is predicted to be tolerated by in silico analysis. Based on the available evidence, the clinical significance of this variant remains unclear.

Labcorp Genetics (formerly Invitae), Labcorp
Classification: Uncertain significance for Peutz-Jeghers syndrome. Last evaluated: 2016-07-24. Review status: criteria provided, single submitter. Criteria: Invitae Variant Classification Sherloc (09022015). Collection method: clinical testing. Allele origin: germline.
Comment: In summary, this variant is a novel missense change that is not predicted to affect protein function. There is no indication that it causes disease, but the available evidence is currently insufficient to prove that conclusively. Therefore, it has been classified as a Variant of Uncertain Significance. Algorithms developed to predict the effect of missense changes on protein structure and function (SIFT, PolyPhen-2, Align-GVGD) all suggest that this variant is likely to be tolerated, but these predictions have not been confirmed by published functional studies. This variant is not present in population databases (ExAC no frequency) and has not been reported in the literature in individuals with a STK11-related disease. This sequence change replaces glutamic acid with glycine at codon 375 of the STK11 protein (p.Glu375Gly). The glutamic acid residue is moderately conserved and there is a moderate physicochemical difference between glutamic acid and glycine.

NM_000455.5(STK11):c.1124A>G (p.Glu375Gly)

Gene: STK11 (serine/threonine kinase 11; plus strand). Cytogenetic location: 19p13.3.
Variant type: single nucleotide variant.
Coding change: c.1124A>G on transcript NM_000455.5 (MANE Select); coding-DNA position 1124, A replaced by G.
Protein change: p.Glu375Gly; replaces glutamic acid 375 with glycine.
Molecular consequence: missense variant.
Genome position (GRCh38, 1-based): chr19:1,226,469, A>G. VCF-style: chr19-1226469-A-G. GRCh37 (hg19) VCF-style: chr19-1226468-A-G.
Other names: short protein forms E375G.
Identifiers: ClinVar variation 403762 (VCV000403762.10), dbSNP rs1060499951, ClinGen allele CA16616035.